The following is an entry in ClinVar:

ClinVar aggregate classification (germline): Uncertain significance (1 of 4 stars; one submission).

Conditions:
TP63-Related Spectrum Disorders.

Submission:

Labcorp Genetics (formerly Invitae), Labcorp
Classification: Uncertain significance. Last evaluated: 2022-08-10. Review status: criteria provided, single submitter. Criteria: Invitae Variant Classification Sherloc (09022015). Collection method: clinical testing. Allele origin: germline.
Comment: In summary, the available evidence is currently insufficient to determine the role of this variant in disease. Therefore, it has been classified as a Variant of Uncertain Significance. Algorithms developed to predict the effect of missense changes on protein structure and function are either unavailable or do not agree on the potential impact of this missense change (SIFT: "Deleterious"; PolyPhen-2: "Possibly Damaging"; Align-GVGD: "Class C0"). ClinVar contains an entry for this variant (Variation ID: 1471882). This variant has not been reported in the literature in individuals affected with TP63-related conditions. This variant is not present in population databases (gnomAD no frequency). This sequence change replaces proline, which is neutral and non-polar, with leucine, which is neutral and non-polar, at codon 492 of the TP63 protein (p.Pro492Leu).

NM_003722.5(TP63):c.1475C>T (p.Pro492Leu)

Gene: TP63 (tumor protein p63; plus strand). Cytogenetic location: 3q28.
Variant type: single nucleotide variant.
Coding change: c.1475C>T on transcript NM_003722.5 (MANE Select); coding-DNA position 1475, C replaced by T.
Protein change: p.Pro492Leu; replaces proline 492 with leucine.
Molecular consequence: missense variant.
Genome position (GRCh38, 1-based): chr3:189,886,519, C>T. VCF-style: chr3-189886519-C-T. GRCh37 (hg19) VCF-style: chr3-189604308-C-T.
Other names: c.1475C>T, p.Pro492Leu (NM_001114978.2, NM_001329144.2); c.1193C>T, p.Pro398Leu (NM_001114980.2, NM_001114981.2, NM_001329145.2); c.938C>T, p.Pro313Leu (NM_001329146.2); c.1463C>T, p.Pro488Leu (NM_001329148.2); c.1181C>T, p.Pro394Leu (NM_001329149.2); c.926C>T, p.Pro309Leu (NM_001329150.2); c.1469C>T, p.Pro490Leu (NM_001329964.2); short protein forms P313L, P309L, P398L, P488L, P394L, P490L, P492L.
Identifiers: ClinVar variation 1471882 (VCV001471882.7), dbSNP rs2108854518, ClinGen allele CA355757514.